The following is an entry in ClinVar:

NM_003640.5(ELP1):c.2891del (p.Asn963_Leu964insTer)

Gene: ELP1 (elongator acetyltransferase complex subunit 1; minus strand). Cytogenetic location: 9q31.3.
Variant type: Deletion.
Coding change: c.2891del on transcript NM_003640.5 (MANE Select); coding-DNA position 2891, one base deleted (T; older notation c.2891delT).
Protein change: p.Asn963_Leu964insTer.
Molecular consequence: nonsense.
Genome position (GRCh38, 1-based): chr9:108,893,053, A deleted on the plus strand (T on the coding strand, the reverse complement: ELP1 is on the minus strand); the first of 2 consecutive A bases (chr9:108,893,053-108,893,054); deleting either gives the same sequence. VCF-style (leftmost placement, unchanged base first): chr9-108893052-CA-C. GRCh37 (hg19) VCF-style: chr9-111655332-CA-C.
Other names: c.2549del, p.Asn849_Leu850insTer (NM_001318360.2); c.1844del, p.Asn614_Leu615insTer (NM_001330749.2).
Identifiers: ClinVar variation 2003219 (VCV002003219.4), dbSNP rs2537882462, ClinGen allele CA2580079367.

ClinVar aggregate classification (germline): Pathogenic (1 of 4 stars; one submission).

Submission:

Labcorp Genetics (formerly Invitae), Labcorp
Classification: Pathogenic. Last evaluated: 2022-06-08. Review status: criteria provided, single submitter. Criteria: Invitae Variant Classification Sherloc (09022015). Collection method: clinical testing. Allele origin: germline.
Comment: For these reasons, this variant has been classified as Pathogenic. This variant has not been reported in the literature in individuals affected with ELP1-related conditions. This variant is not present in population databases (gnomAD no frequency). This sequence change creates a premature translational stop signal (p.Leu964*) in the ELP1 gene. It is expected to result in an absent or disrupted protein product. Loss-of-function variants in ELP1 are known to be pathogenic (PMID: 18303054, 24173031).

Literature cited by the submitters: PubMed 18303054; PubMed 24173031.